The following is an entry in ClinVar:

ClinVar aggregate classification (germline): Uncertain significance (1 of 4 stars; one submission).

Allele frequency attached by ClinVar (database versions not stated): ExAC 0.00001; gnomAD 0.00001; gnomAD exomes 0.00001; TOPMed 0.00001; 1000 Genomes Project 30x 0.00031.
gnomAD v4.1: 21 of 1,611,748 alleles (0.0013%); highest among the groups gnomAD compares: Admixed American, 0.0033%; no homozygotes.

Submission:

Women's Health and Genetics/Laboratory Corporation of America, LabCorp
Classification: Uncertain significance. Last evaluated: 2024-01-22. Review status: criteria provided, single submitter. Criteria: LabCorp Variant Classification Summary - May 2015. Collection method: clinical testing. Allele origin: germline.
Comment: Variant summary: CD96 c.754G>A (p.Gly252Ser) results in a non-conservative amino acid change located in the second immunoglobulin subtype domain (IPR003599) of the encoded protein sequence. Four of five in-silico tools predict a benign effect of the variant on protein function. The variant allele was found at a frequency of 1.3e-05 in 1,604,776 control chromosomes (i.e. in 21 carriers) in the gnomAD database (v4 dataset). The occurrence in several carriers suggests that this variant is likely not associated with a high penetrance, severe, early disease phenotype in heterozygous state. To our knowledge, no occurrence of c.754G>A in individuals affected with C Syndrome and no experimental evidence demonstrating its impact on protein function have been reported. No submitters have cited clinical-significance assessments for this variant to ClinVar. Based on the evidence outlined above, the variant was classified as VUS-possibly benign.

NM_005816.5(CD96):c.706G>A (p.Gly236Ser)

Gene: CD96 (CD96 molecule; plus strand). Cytogenetic location: 3q13.13.
Variant type: single nucleotide variant.
Coding change: c.706G>A on transcript NM_005816.5 (MANE Select); coding-DNA position 706, G replaced by A.
Protein change: p.Gly236Ser; replaces glycine 236 with serine.
Molecular consequence: missense variant. On other transcripts: non-coding transcript variant (1).
Genome position (GRCh38, 1-based): chr3:111,579,189, G>A. VCF-style: chr3-111579189-G-A. GRCh37 (hg19) VCF-style: chr3-111298036-G-A.
Other names: c.706G>A, p.Gly236Ser (NM_001318889.2, NM_001410800.1); c.754G>A, p.Gly252Ser (NM_198196.3); short protein forms G236S, G252S.
Identifiers: ClinVar variation 3063638 (VCV003063638.1), dbSNP rs751482008, ClinGen allele CA2534262.